The following is an entry in ClinVar:

ClinVar aggregate classification (germline): Uncertain significance (1 of 4 stars; one submission).

Conditions:
Primary ciliary dyskinesia. Also called: Ciliary dyskinesia. Identifiers: Orphanet 244, MedGen C0008780, MONDO:0016575, HP:0012265.

Submission:

Labcorp Genetics (formerly Invitae), Labcorp
Classification: Uncertain significance for Primary ciliary dyskinesia. Last evaluated: 2022-03-20. Review status: criteria provided, single submitter. Criteria: Invitae Variant Classification Sherloc (09022015). Collection method: clinical testing. Allele origin: germline.
Comment: In summary, the available evidence is currently insufficient to determine the role of this variant in disease. Therefore, it has been classified as a Variant of Uncertain Significance. Algorithms developed to predict the effect of missense changes on protein structure and function are either unavailable or do not agree on the potential impact of this missense change (SIFT: "Deleterious"; PolyPhen-2: "Not Available"; Align-GVGD: "Class C15"). This variant has not been reported in the literature in individuals affected with DNAH8-related conditions. This variant is not present in population databases (gnomAD no frequency). This sequence change replaces phenylalanine, which is neutral and non-polar, with leucine, which is neutral and non-polar, at codon 3059 of the DNAH8 protein (p.Phe3059Leu).

NM_001206927.2(DNAH8):c.9175T>C (p.Phe3059Leu)

Gene: DNAH8 (dynein axonemal heavy chain 8; plus strand). Cytogenetic location: 6p21.2.
Variant type: single nucleotide variant.
Coding change: c.9175T>C on transcript NM_001206927.2 (MANE Select); coding-DNA position 9175, T replaced by C.
Protein change: p.Phe3059Leu; replaces phenylalanine 3059 with leucine.
Molecular consequence: missense variant.
Genome position (GRCh38, 1-based): chr6:38,899,887, T>C. VCF-style: chr6-38899887-T-C. GRCh37 (hg19) VCF-style: chr6-38867663-T-C.
Other names: c.8524T>C, p.Phe2842Leu (NM_001371.4); short protein forms F2842L, F3059L.
Identifiers: ClinVar variation 2114920 (VCV002114920.4), dbSNP rs2533328237, ClinGen allele CA364000213.